The following is an entry in ClinVar:

ClinVar aggregate classification (germline): Likely pathogenic (1 of 4 stars; one submission).

Submission:

Labcorp Genetics (formerly Invitae), Labcorp
Classification: Likely pathogenic. Last evaluated: 2024-09-10. Review status: criteria provided, single submitter. Criteria: Invitae Variant Classification Sherloc (09022015). Collection method: clinical testing. Allele origin: germline.
Comment: This sequence change affects the initiator methionine of the PTHLH mRNA. There are no downstream in-frame methionine residues; therefore, it is expected to result in an absent or disrupted protein product. Loss-of-function variants in PTHLH are known to be pathogenic (PMID: 20170896, 26640227, 26763883). This variant is not present in population databases (gnomAD no frequency). Disruption of the initiator codon has been observed in individual(s) with brachydactyly (PMID: 34897794). In summary, the currently available evidence indicates that the variant is pathogenic, but additional data are needed to prove that conclusively. Therefore, this variant has been classified as Likely Pathogenic.

Literature cited by the submitters: PubMed 20170896; PubMed 26640227; PubMed 26763883; PubMed 34897794.

NM_198965.2(PTHLH):c.2T>G (p.Met1Arg)

Gene: PTHLH (parathyroid hormone like hormone; minus strand). Cytogenetic location: 12p11.22.
Variant type: single nucleotide variant.
Coding change: c.2T>G on transcript NM_198965.2 (MANE Select); coding-DNA position 2, T replaced by G.
Protein change: p.Met1Arg; changes the start codon (methionine 1).
Molecular consequence: missense variant, initiator codon variant.
Genome position (GRCh38, 1-based): chr12:27,969,493, A>C on the plus strand (T>G on the coding strand, the complement: PTHLH is on the minus strand). VCF-style: chr12-27969493-A-C. GRCh37 (hg19) VCF-style: chr12-28122426-A-C.
Other names: c.2T>G, p.Met1Arg (NM_002820.3, NM_198964.2, NM_198966.2); short protein forms M1R.
Identifiers: ClinVar variation 3730518 (VCV003730518.2).